The following is an entry in ClinVar:

NM_004523.4:c.(1217+1_1218-1)_(1494+1_1495-1)del

Gene: KIF11 (kinesin family member 11; plus strand).
Variant type: Deletion.
Other names: c.(1217+1_1218-1)_(1494+1_1495-1)del (NM_004523.4).
Identifiers: ClinVar variation 1299334 (VCV001299334.2).

ClinVar aggregate classification (germline): Pathogenic (1 of 4 stars; one submission).

Conditions:
Microcephaly with or without chorioretinopathy, lymphedema, or impaired intellectual development. Also called: Microcephaly with or without chorioretinopathy, lymphedema, or intellectual disability; Microcephaly lymphedema chorioretinal dysplasia; MICROCEPHALY AND CHORIORETINOPATHY WITH OR WITHOUT MENTAL RETARDATION, AUTOSOMAL DOMINANT; MICROCEPHALY, LYMPHEDEMA, CHORIORETINAL DYSPLASIA SYNDROME; Microcephaly with or without chorioretinopathy, lymphedema, or mental retardation. Identifiers: Orphanet 2526, MedGen C1835265, MONDO:0007918, OMIM 152950.

Submission:

Institute of Human Genetics, University of Leipzig Medical Center
Classification: Pathogenic for Microcephaly with or without chorioretinopathy, lymphedema, or impaired intellectual development. Last evaluated: 2022-10-27. Review status: criteria provided, single submitter. Criteria: ACMG Guidelines, 2015. Collection method: clinical testing. Allele origin: unknown. Affected: yes.
Comment: Criteria applied: PVS1, PS4_SUP, PM2_SUP